The following is an entry in ClinVar:

NM_001146262.4(SYT14):c.-3A>G

Gene: SYT14 (synaptotagmin 14; plus strand). Cytogenetic location: 1q32.2.
Variant type: single nucleotide variant.
Coding change: c.-3A>G on transcript NM_001146262.4 (MANE Select); 3 bases upstream of the start codon, A replaced by G.
Molecular consequence: 5 prime UTR variant. On other transcripts: synonymous variant (2), non-coding transcript variant (1).
Genome position (GRCh38, 1-based): chr1:209,938,262, A>G. VCF-style: chr1-209938262-A-G. GRCh37 (hg19) VCF-style: chr1-210111607-A-G.
Other names: c.12A>G, p.Ala4= (NM_001146261.4, NM_001146264.4); c.-322A>G (NM_001256006.3); c.-1052A>G (NM_001397544.1); c.-1257A>G (NM_001397545.1); c.-3A>G (NM_153262.5); c.12A>G (NM_001146261.1).
Identifiers: ClinVar variation 747556 (VCV000747556.5), dbSNP rs985232390, ClinGen allele CA37041409.

ClinVar aggregate classification (germline): Conflicting classifications of pathogenicity. Review status: criteria provided, conflicting classifications (1 of 4 stars). 2 submissions from 2 submitters: Uncertain significance (1); Likely benign (1). Last evaluated 2024-08-06.

Allele frequency attached by ClinVar (database versions not stated): gnomAD exomes below 0.00001; gnomAD 0.00001 and 0.00002; TOPMed 0.00003.
gnomAD v4.1: 8 of 1,561,332 alleles (0.00051%); highest among the groups gnomAD compares: Admixed American, 0.0036%; no homozygotes.

Submissions (2):

Athena Diagnostics
Classification: Uncertain significance. Last evaluated: 2024-08-06. Review status: criteria provided, single submitter. Criteria: Athena Diagnostics Criteria. Collection method: clinical testing. Allele origin: unknown.
Comment: Available data are insufficient to determine the clinical significance of the variant at this time. The frequency of this variant in the general population is uninformative in assessment of its pathogenicity. Computational tools yielded predictions that this variant is unlikely to have an effect on normal RNA splicing.

Labcorp Genetics (formerly Invitae), Labcorp
Classification: Likely benign. Last evaluated: 2018-04-06. Review status: criteria provided, single submitter. Criteria: Invitae Variant Classification Sherloc (09022015). Collection method: clinical testing. Allele origin: germline.